The following is an entry in ClinVar:

ClinVar aggregate classification (germline): Benign/Likely benign. Review status: criteria provided, multiple submitters, no conflicts (2 of 4 stars). 6 submissions from 6 submitters: Benign (4); Likely benign (2). Last evaluated 2026-01-12.

Conditions:
Autosomal dominant cerebellar ataxia. Also called: Spinocerebellar Ataxia, Dominant. Identifiers: Orphanet 99, MedGen C4087347, MONDO:0020380.
Spinocerebellar ataxia type 29 (SCA29). Also called: CEREBELLAR ATAXIA, CONGENITAL NONPROGRESSIVE, AUTOSOMAL DOMINANT; Spinocerebellar ataxia 29, congenital nonprogressive. Identifiers: Orphanet 208513, MedGen C1861732, MONDO:0007298, OMIM 117360.
Gillespie syndrome (GLSP). Also called: Aniridia, cerebellar ataxia, and mental deficiency; Aniridia-cerebellar ataxia-intellectual disability syndrome. Identifiers: Orphanet 1065, MedGen C0431401, MONDO:0008795, OMIM 206700.
Spinocerebellar ataxia type 15/16 (SCA15). Also called: Spinocerebellar Ataxia Type 15. Identifiers: Orphanet 98769, MedGen C1847725, MONDO:0011694, OMIM 606658.

Allele frequency attached by ClinVar (database versions not stated): gnomAD exomes 0.00019 and 0.00051; ExAC 0.00060; ESP Exome Variant Server 0.00150; gnomAD 0.00181 and 0.00191; 1000 Genomes Project 0.00220; TOPMed 0.00225; 1000 Genomes Project 30x 0.00234.
gnomAD v4.1: 557 of 1,613,998 alleles (0.035%); highest among the groups gnomAD compares: African/African-American, 0.67%; 3 homozygotes.

Submissions (6):

Labcorp Genetics (formerly Invitae), Labcorp
Classification: Benign. Last evaluated: 2026-01-12. Review status: criteria provided, single submitter. Criteria: Invitae Variant Classification Sherloc (09022015). Collection method: clinical testing. Allele origin: germline.

Mayo Clinic Laboratories, Mayo Clinic
Classification: Benign. Last evaluated: 2025-03-18. Review status: criteria provided, single submitter. Criteria: ACMG Guidelines, 2015. Collection method: clinical testing. Allele origin: germline. Observed: 1 variant allele.
Comment: BA1

Fulgent Genetics
Classification: Likely benign for Spinocerebellar ataxia type 29; Gillespie syndrome; Spinocerebellar ataxia type 15/16. Last evaluated: 2022-01-13. Review status: criteria provided, single submitter. Criteria: ACMG Guidelines, 2015. Collection method: clinical testing. Allele origin: unknown.

GeneDx
Classification: Likely benign. Last evaluated: 2021-07-07. Review status: criteria provided, single submitter. Criteria: GeneDx Variant Classification Process June 2021. Collection method: clinical testing. Allele origin: germline. Affected: yes.

Illumina Laboratory Services, Illumina
Classification: Benign for Spinocerebellar Ataxia, Dominant. Last evaluated: 2018-01-13. Review status: criteria provided, single submitter. Criteria: ICSL Variant Classification Criteria 13 December 2019. Collection method: clinical testing. Allele origin: germline.
Comment: This variant was observed in the ICSL laboratory as part of a predisposition screen in an ostensibly healthy population. It had not been previously curated by ICSL or reported in the Human Gene Mutation Database (HGMD: prior to June 1st, 2018), and was therefore a candidate for classification through an automated scoring system. Utilizing variant allele frequency, disease prevalence and penetrance estimates, and inheritance mode, an automated score was calculated to assess if this variant is too frequent to cause the disease. Based on the score and internal cut-off values, a variant classified as benign is not then subjected to further curation. The score for this variant resulted in a classification of benign for this disease.

Athena Diagnostics
Classification: Benign. Last evaluated: 2016-12-30. Review status: criteria provided, single submitter. Criteria: Athena Diagnostics Criteria. Collection method: clinical testing. Allele origin: germline.

NM_001378452.1(ITPR1):c.7509T>C (p.Asp2503=)

Gene: ITPR1 (inositol 1,4,5-trisphosphate receptor type 1; plus strand). Cytogenetic location: 3p26.1.
Variant type: single nucleotide variant.
Coding change: c.7509T>C on transcript NM_001378452.1 (MANE Select); coding-DNA position 7509, T replaced by C.
Protein change: p.Asp2503=; no amino-acid change (aspartic acid 2503 retained).
Molecular consequence: synonymous variant.
Genome position (GRCh38, 1-based): chr3:4,813,182, T>C. VCF-style: chr3-4813182-T-C. GRCh37 (hg19) VCF-style: chr3-4854866-T-C.
Other names: p.Asp2440=; c.7320T>C (NM_002222.6); c.7365T>C, p.Asp2455= (NM_001099952.4); c.7464T>C, p.Asp2488= (NM_001168272.2); c.7320T>C, p.Asp2440= (NM_002222.7).
Identifiers: ClinVar variation 345782 (VCV000345782.17), dbSNP rs79720149, ClinGen allele CA2232869.